The following is an entry in ClinVar:

ClinVar aggregate classification (germline): Benign/Likely benign. Review status: criteria provided, multiple submitters, no conflicts (2 of 4 stars). 6 submissions from 6 submitters: Benign (4); Likely benign (1). 1 of the submissions does not count toward it. Last evaluated 2026-02-03.

Conditions:
Propionic acidemia (PROP). Also called: KETOTIC HYPERGLYCINEMIA; GLYCINEMIA, KETOTIC; HYPERGLYCINEMIA WITH KETOACIDOSIS AND LEUKOPENIA. Identifiers: Orphanet 35, MedGen C0268579, MONDO:0011628, OMIM 606054, HP:0003571.

Allele frequency attached by ClinVar (database versions not stated): gnomAD exomes 0.00050 and 0.00124; ExAC 0.00148; gnomAD 0.00497 and 0.00533; ESP Exome Variant Server 0.00561; TOPMed 0.00565; 1000 Genomes Project 30x 0.00578; 1000 Genomes Project 0.00599.
gnomAD v4.1: 1,503 of 1,608,040 alleles (0.093%); highest among the groups gnomAD compares: African/African-American, 1.8%; 12 homozygotes.

Submissions (6):

Labcorp Genetics (formerly Invitae), Labcorp
Classification: Benign for Propionic acidemia. Last evaluated: 2026-02-03. Review status: criteria provided, single submitter. Criteria: Invitae Variant Classification Sherloc (09022015). Collection method: clinical testing. Allele origin: germline.

Mayo Clinic Laboratories, Mayo Clinic
Classification: Benign. Last evaluated: 2024-11-29. Review status: criteria provided, single submitter. Criteria: ACMG Guidelines, 2015. Collection method: clinical testing. Allele origin: germline. Observed: 6 variant alleles.
Comment: BS1, BS2, BP4, BP7

ARUP Laboratories, Molecular Genetics and Genomics, ARUP Laboratories
Classification: Likely benign for Propionic acidemia. Last evaluated: 2023-09-22. Review status: criteria provided, single submitter. Criteria: ARUP Molecular Germline Variant Investigation Process 2024. Collection method: clinical testing. Allele origin: germline.

GeneDx
Classification: Benign. Last evaluated: 2018-05-10. Review status: criteria provided, single submitter. Criteria: GeneDx Variant Classification Process June 2021. Collection method: clinical testing. Allele origin: germline. Affected: yes.

Breakthrough Genomics
Classification: Benign. Review status: criteria provided, single submitter. Criteria: ACMG Guidelines, 2015. Collection method: not provided. Allele origin: germline. Inheritance: Autosomal recessive inheritance. Affected: yes.

Natera, Inc.
Classification: Benign for Propionic acidemia. Last evaluated: 2019-12-05. Review status: no assertion criteria provided. Collection method: clinical testing. Allele origin: germline. Not counted in ClinVar's aggregate classification.

NM_000532.5(PCCB):c.546G>A (p.Arg182=)

Gene: PCCB (propionyl-CoA carboxylase subunit beta; plus strand). Cytogenetic location: 3q22.3.
Variant type: single nucleotide variant.
Coding change: c.546G>A on transcript NM_000532.5 (MANE Select); coding-DNA position 546, G replaced by A.
Protein change: p.Arg182=; no amino-acid change (arginine 182 retained).
Molecular consequence: synonymous variant.
Genome position (GRCh38, 1-based): chr3:136,283,839, G>A. VCF-style: chr3-136283839-G-A. GRCh37 (hg19) VCF-style: chr3-136002681-G-A.
Other names: p.Arg182=; c.606G>A, p.Arg202= (NM_001178014.2).
Identifiers: ClinVar variation 383033 (VCV000383033.65), dbSNP rs61598773, ClinGen allele CA2631778.